The following is an entry in ClinVar:

NM_004260.4(RECQL4):c.3405G>A (p.Trp1135Ter)

Gene: RECQL4 (RecQ like helicase 4; minus strand). Cytogenetic location: 8q24.3.
Variant type: single nucleotide variant.
Coding change: c.3405G>A on transcript NM_004260.4 (MANE Select); coding-DNA position 3405, G replaced by A.
Protein change: p.Trp1135Ter; replaces tryptophan 1135 with a stop codon.
Molecular consequence: nonsense. On other transcripts: non-coding transcript variant (3).
Genome position (GRCh38, 1-based): chr8:144,511,778, C>T on the plus strand (G>A on the coding strand, the complement: RECQL4 is on the minus strand). VCF-style: chr8-144511778-C-T. GRCh37 (hg19) VCF-style: chr8-145737161-C-T.
Other names: c.3111G>A, p.Trp1037Ter (NM_001413017.1); c.3207G>A, p.Trp1069Ter (NM_001413018.1); c.3480G>A, p.Trp1160Ter (NM_001413019.1); c.3309G>A, p.Trp1103Ter (NM_001413020.1); c.2334G>A, p.Trp778Ter (NM_001413021.1, NM_001413022.1, NM_001413034.1 and 4 more transcripts); c.3414G>A, p.Trp1138Ter (NM_001413036.1); c.2202G>A, p.Trp734Ter (NM_001413037.1); c.2136G>A, p.Trp712Ter (NM_001413038.1, NM_001413031.1); and 9 more; short protein forms W1135*, W1138*, W756*, W781*, W803*, W1037*, W1125*, W646*.
Identifiers: ClinVar variation 2865710 (VCV002865710.3), dbSNP rs2537967205, ClinGen allele CA372667566.

ClinVar aggregate classification (germline): Pathogenic (1 of 4 stars; one submission).

Conditions:
Baller-Gerold syndrome (BGS). Also called: CRANIOSYNOSTOSIS WITH RADIAL DEFECTS. Identifiers: Orphanet 1225, MedGen C0265308, MONDO:0009039, OMIM 218600.

Submission:

Labcorp Genetics (formerly Invitae), Labcorp
Classification: Pathogenic for Baller-Gerold syndrome. Last evaluated: 2023-05-19. Review status: criteria provided, single submitter. Criteria: Invitae Variant Classification Sherloc (09022015). Collection method: clinical testing. Allele origin: germline.
Comment: This sequence change creates a premature translational stop signal (p.Trp1135*) in the RECQL4 gene. It is expected to result in an absent or disrupted protein product. Loss-of-function variants in RECQL4 are known to be pathogenic (PMID: 12734318, 12952869). For these reasons, this variant has been classified as Pathogenic. This variant has not been reported in the literature in individuals affected with RECQL4-related conditions. This variant is not present in population databases (gnomAD no frequency).

Literature cited by the submitters: PubMed 12734318; PubMed 12952869.